The following is an entry in ClinVar:

NM_005235.3(ERBB4):c.1467C>A (p.Asp489Glu)

Gene: ERBB4 (erb-b2 receptor tyrosine kinase 4; minus strand). Cytogenetic location: 2q34.
Variant type: single nucleotide variant.
Coding change: c.1467C>A on transcript NM_005235.3 (MANE Select); coding-DNA position 1467, C replaced by A.
Protein change: p.Asp489Glu; replaces aspartic acid 489 with glutamic acid.
Molecular consequence: missense variant.
Genome position (GRCh38, 1-based): chr2:211,701,989, G>T on the plus strand (C>A on the coding strand, the complement: ERBB4 is on the minus strand). VCF-style: chr2-211701989-G-T. GRCh37 (hg19) VCF-style: chr2-212566714-G-T.
Other names: c.1467C>A, p.Asp489Glu (NM_001042599.2); short protein forms D489E.
Identifiers: ClinVar variation 3644683 (VCV003644683.2).

ClinVar aggregate classification (germline): Uncertain significance (1 of 4 stars; one submission).

gnomAD v4.1: 1 of 1,613,586 alleles (0.000062%); highest among the groups gnomAD compares: Non-Finnish European, 0.000085%; no homozygotes.

Submission:

Labcorp Genetics (formerly Invitae), Labcorp
Classification: Uncertain significance. Last evaluated: 2024-02-23. Review status: criteria provided, single submitter. Criteria: Invitae Variant Classification Sherloc (09022015). Collection method: clinical testing. Allele origin: germline.
Comment: This sequence change replaces aspartic acid, which is acidic and polar, with glutamic acid, which is acidic and polar, at codon 489 of the ERBB4 protein (p.Asp489Glu). This variant is not present in population databases (gnomAD no frequency). This variant has not been reported in the literature in individuals affected with ERBB4-related conditions. Advanced modeling of protein sequence and biophysical properties (such as structural, functional, and spatial information, amino acid conservation, physicochemical variation, residue mobility, and thermodynamic stability) performed at Invitae indicates that this missense variant is not expected to disrupt ERBB4 protein function with a negative predictive value of 80%. In summary, the available evidence is currently insufficient to determine the role of this variant in disease. Therefore, it has been classified as a Variant of Uncertain Significance.